The following is an entry in ClinVar:

ClinVar aggregate classification (germline): Uncertain significance (1 of 4 stars; one submission).

Allele frequency attached by ClinVar (database versions not stated): gnomAD exomes below 0.00001; gnomAD 0.00001.
gnomAD v4.1: 3 of 1,550,724 alleles (0.00019%); highest among the groups gnomAD compares: African/African-American, 0.0041%; no homozygotes.

Submission:

Labcorp Genetics (formerly Invitae), Labcorp
Classification: Uncertain significance. Last evaluated: 2022-01-27. Review status: criteria provided, single submitter. Criteria: Invitae Variant Classification Sherloc (09022015). Collection method: clinical testing. Allele origin: germline.
Comment: In summary, the available evidence is currently insufficient to determine the role of this variant in disease. Therefore, it has been classified as a Variant of Uncertain Significance. Algorithms developed to predict the effect of missense changes on protein structure and function are either unavailable or do not agree on the potential impact of this missense change (SIFT: "Not Available"; PolyPhen-2: "Possibly Damaging"; Align-GVGD: "Not Available"). This variant has not been reported in the literature in individuals affected with UNC80-related conditions. This variant is present in population databases (no rsID available, gnomAD 0.01%). This sequence change replaces lysine, which is basic and polar, with glutamic acid, which is acidic and polar, at codon 444 of the UNC80 protein (p.Lys444Glu).

NM_001371986.1(UNC80):c.1330A>G (p.Lys444Glu)

Gene: UNC80 (unc-80 subunit of NALCN channel complex; plus strand). Cytogenetic location: 2q34.
Variant type: single nucleotide variant.
Coding change: c.1330A>G on transcript NM_001371986.1 (MANE Select); coding-DNA position 1330, A replaced by G.
Protein change: p.Lys444Glu; replaces lysine 444 with glutamic acid.
Molecular consequence: missense variant.
Genome position (GRCh38, 1-based): chr2:209,815,386, A>G. VCF-style: chr2-209815386-A-G. GRCh37 (hg19) VCF-style: chr2-210680110-A-G.
Other names: c.1330A>G, p.Lys444Glu (NM_032504.2, NM_182587.4); short protein forms K444E.
Identifiers: ClinVar variation 2088263 (VCV002088263.4), dbSNP rs1472731061, ClinGen allele CA350134351.